The following is an entry in ClinVar:

NM_198576.4(AGRN):c.5516A>G (p.Tyr1839Cys)

Gene: AGRN (agrin; plus strand). Cytogenetic location: 1p36.33.
Variant type: single nucleotide variant.
Coding change: c.5516A>G on transcript NM_198576.4 (MANE Select); coding-DNA position 5516, A replaced by G.
Protein change: p.Tyr1839Cys; replaces tyrosine 1839 with cysteine.
Molecular consequence: missense variant.
Genome position (GRCh38, 1-based): chr1:1,051,598, A>G. VCF-style: chr1-1051598-A-G. GRCh37 (hg19) VCF-style: chr1-986978-A-G.
Other names: c.5528A>G, p.Tyr1843Cys (NM_001305275.2); c.5213A>G, p.Tyr1738Cys (NM_001364727.2); short protein forms Y1839C, Y1843C, Y1738C.
Identifiers: ClinVar variation 474152 (VCV000474152.6), dbSNP rs1553178384, ClinGen allele CA337781875.

ClinVar aggregate classification (germline): Uncertain significance (1 of 4 stars; one submission).

Conditions:
Congenital myasthenic syndrome 8. Also called: MYASTHENIC SYNDROME, CONGENITAL, DUE TO AGRIN DEFICIENCY; Myasthenic syndrome, congenital, 8, with pre- and postsynaptic defects. Identifiers: Orphanet 590, MedGen C3808739, MONDO:0014052, OMIM 615120.

Submission:

Labcorp Genetics (formerly Invitae), Labcorp
Classification: Uncertain significance for Congenital myasthenic syndrome 8. Last evaluated: 2022-06-20. Review status: criteria provided, single submitter. Criteria: Invitae Variant Classification Sherloc (09022015). Collection method: clinical testing. Allele origin: germline.
Comment: This sequence change replaces tyrosine, which is neutral and polar, with cysteine, which is neutral and slightly polar, at codon 1839 of the AGRN protein (p.Tyr1839Cys). This variant is not present in population databases (gnomAD no frequency). This variant has not been reported in the literature in individuals affected with AGRN-related conditions. ClinVar contains an entry for this variant (Variation ID: 474152). Algorithms developed to predict the effect of missense changes on protein structure and function are either unavailable or do not agree on the potential impact of this missense change (SIFT: "Deleterious"; PolyPhen-2: "Probably Damaging"; Align-GVGD: "Class C0"). Algorithms developed to predict the effect of sequence changes on RNA splicing suggest that this variant may create or strengthen a splice site. In summary, the available evidence is currently insufficient to determine the role of this variant in disease. Therefore, it has been classified as a Variant of Uncertain Significance.